The following is an entry in ClinVar:

NM_182961.4(SYNE1):c.10608+1G>C

Gene: SYNE1 (spectrin repeat containing nuclear envelope protein 1; minus strand). Cytogenetic location: 6q25.2.
Variant type: single nucleotide variant.
Coding change: c.10608+1G>C on transcript NM_182961.4 (MANE Select); the canonical splice donor site of the intron after coding-DNA position 10608, G replaced by C.
Molecular consequence: splice donor variant.
Genome position (GRCh38, 1-based): chr6:152,358,372, C>G on the plus strand (G>C on the coding strand, the complement: SYNE1 is on the minus strand). VCF-style: chr6-152358372-C-G. GRCh37 (hg19) VCF-style: chr6-152679507-C-G.
Other names: c.10629+1G>C (NM_033071.5).
Identifiers: ClinVar variation 659334 (VCV000659334.7), dbSNP rs1590998146, ClinGen allele CA366127279.
Genomic context (GRCh38, chr6:152,358,372, plus strand): 5'-AAAATAATAATTCCATATTCAGAATGAAGATTCCTTTGTTTTAGGATAAAGGAGGCCTTA[C>G]CTGAAGATCACGCAATGTTGTCTCATGAGTGTGGGCATCACCTTCAAGAACTGAATACTG-3'

ClinVar aggregate classification (germline): Likely pathogenic (1 of 4 stars; one submission).

Conditions:
Emery-Dreifuss muscular dystrophy 4, autosomal dominant (EDMD4). Also called: EMERY-DREIFUSS MUSCULAR DYSTROPHY 4 WITH VARIABLE FEATURES. Identifiers: Orphanet 261, MedGen C2751807, MONDO:0013071, OMIM 612998.
Autosomal recessive ataxia, Beauce type. Also called: Spinocerebellar ataxia, autosomal recessive 8; ATAXIA, RECESSIVE, OF BEAUCE; SYNE1-Related Autosomal Recessive Cerebellar Ataxia; SYNE1 Deficiency. Identifiers: Orphanet 88644, MedGen C1853116, MONDO:0012549, OMIM 610743.

Submission:

Labcorp Genetics (formerly Invitae), Labcorp
Classification: Likely pathogenic for Emery-Dreifuss muscular dystrophy 4, autosomal dominant; Autosomal recessive ataxia, Beauce type. Last evaluated: 2018-10-10. Review status: criteria provided, single submitter. Criteria: Invitae Variant Classification Sherloc (09022015). Collection method: clinical testing. Allele origin: germline.
Comment: This sequence change affects a donor splice site in intron 66 of the SYNE1 gene. It is expected to disrupt RNA splicing and likely results in an absent or disrupted protein product. This variant is not present in population databases (ExAC no frequency). This variant has not been reported in the literature in individuals with SYNE1-related disease. Donor and acceptor splice site variants typically lead to a loss of protein function (PMID: 16199547), and loss-of-function variants in SYNE1 are known to be pathogenic for autosomal recessive SYNE1-related disease (PMID: 27086870). In summary, the currently available evidence indicates that the variant is pathogenic, but additional data are needed to prove that conclusively. Therefore, this variant has been classified as Likely Pathogenic.

Literature cited by the submitters: PubMed 16199547; PubMed 27086870.